The following is an entry in ClinVar:

ClinVar aggregate classification (germline): Uncertain significance (1 of 4 stars; one submission).

Conditions:
Alpha thalassemia-X-linked intellectual disability syndrome (ATRX). Also called: ALPHA-THALASSEMIA/MENTAL RETARDATION SYNDROME, X-LINKED; ATR, NONDELETION TYPE; ATR-X syndrome; Alpha thalassemia mental retardation syndrome, nondeletion type, X-linked; XLMR hypotonic face syndrome; X-linked alpha-thalassemia-mental retardation syndrome. Identifiers: Orphanet 847, MedGen C1845055, MONDO:0010519, OMIM 301040.

Submission:

Labcorp Genetics (formerly Invitae), Labcorp
Classification: Uncertain significance for Alpha thalassemia-X-linked intellectual disability syndrome. Last evaluated: 2025-04-27. Review status: criteria provided, single submitter. Criteria: Invitae Variant Classification Sherloc (09022015). Collection method: clinical testing. Allele origin: germline.
Comment: This sequence change replaces valine, which is neutral and non-polar, with alanine, which is neutral and non-polar, at codon 1374 of the ATRX protein (p.Val1374Ala). This variant is not present in population databases (gnomAD no frequency). This variant has not been reported in the literature in individuals affected with ATRX-related conditions. An algorithm developed to predict the effect of missense changes on protein structure and function (PolyPhen-2) suggests that this variant is likely to be disruptive. In summary, the available evidence is currently insufficient to determine the role of this variant in disease. Therefore, it has been classified as a Variant of Uncertain Significance.

NM_000489.6(ATRX):c.4121T>C (p.Val1374Ala)

Gene: ATRX (ATRX chromatin remodeler; minus strand). Cytogenetic location: Xq21.1.
Variant type: single nucleotide variant.
Coding change: c.4121T>C on transcript NM_000489.6 (MANE Select); coding-DNA position 4121, T replaced by C.
Protein change: p.Val1374Ala; replaces valine 1374 with alanine.
Molecular consequence: missense variant.
Genome position (GRCh38, 1-based): chrX:77,656,653, A>G on the plus strand (T>C on the coding strand, the complement: ATRX is on the minus strand). VCF-style: chrX-77656653-A-G. GRCh37 (hg19) VCF-style: chrX-76912143-A-G.
Other names: c.4007T>C, p.Val1336Ala (NM_138270.5); short protein forms V1336A, V1374A.
Identifiers: ClinVar variation 4718455 (VCV004718455.1).
Genomic context (GRCh38, chrX:77,656,653, plus strand): 5'-CTAACTTCTTCACTAACTCCTGATTCCTGAAAATCAGAATCTTCTGAATCTTCACTGCTC[A>G]CTTGAATTTTAAAAAATACATAAAATTATTAATTATTTTTCAATAGAAACCTAATTCACT-3'
Protein context (NP_000480.3, residues 1364-1384): KEVKGRNRRK[Val1374Ala]SSEDSEDSDF